The following is an entry in ClinVar:

NC_000020.10:g.(?_3869748)_(3903941_?)del

Genes: MIR103A2 (microRNA 103a-2; plus strand), PANK2 (pantothenate kinase 2; plus strand). Cytogenetic location: 20p13.
Variant type: Deletion.
Identifiers: ClinVar variation 3248221 (VCV003248221.1).

ClinVar aggregate classification (germline): Pathogenic (1 of 4 stars; one submission).

Conditions:
Pigmentary pallidal degeneration (NBIA1). Also called: HARP SYNDROME; PKAN NEUROAXONAL DYSTROPHY, JUVENILE-ONSET; Neurodegeneration with brain iron accumulation 1; Pantothenate Kinase-Associated Neurodegeneration; Neuroaxonal dystrophy, late infantile; Hallervorden-Spatz disease. Identifiers: Orphanet 157850, MedGen C0018523, MONDO:0009319, OMIM 234200.

Submission:

Labcorp Genetics (formerly Invitae), Labcorp
Classification: Pathogenic for Pigmentary pallidal degeneration. Last evaluated: 2023-07-31. Review status: criteria provided, single submitter. Criteria: Invitae Variant Classification Sherloc (09022015). Collection method: clinical testing. Allele origin: unknown.
Comment: For these reasons, this variant has been classified as Pathogenic. This variant has not been reported in the literature in individuals affected with PANK2-related conditions. A gross deletion of the genomic region encompassing the full coding sequence of the PANK2 gene has been identified. Loss-of-function variants in PANK2 are known to be pathogenic (PMID: 11479594, 12510040). The boundaries of this event are unknown as they extend beyond the assayed region for this gene and therefore may encompass additional genes.

Literature cited by the submitters: PubMed 11479594; PubMed 12510040.